The following is an entry in ClinVar:

ClinVar aggregate classification (germline): Uncertain significance. Review status: criteria provided, multiple submitters, no conflicts (2 of 4 stars). 2 submissions from 2 submitters: Uncertain significance (2). Last evaluated 2024-12-12.

Conditions:
Congenital myasthenic syndrome 8. Also called: MYASTHENIC SYNDROME, CONGENITAL, DUE TO AGRIN DEFICIENCY; Myasthenic syndrome, congenital, 8, with pre- and postsynaptic defects. Identifiers: Orphanet 590, MedGen C3808739, MONDO:0014052, OMIM 615120.

Allele frequency attached by ClinVar (database versions not stated): gnomAD exomes 0.00001; TOPMed 0.00004; gnomAD 0.00006.
gnomAD v4.1: 39 of 1,603,772 alleles (0.0024%); highest among the groups gnomAD compares: Middle Eastern, 0.36%; 2 homozygotes.

Submissions (2):

Labcorp Genetics (formerly Invitae), Labcorp
Classification: Uncertain significance for Congenital myasthenic syndrome 8. Last evaluated: 2024-12-12. Review status: criteria provided, single submitter. Criteria: Invitae Variant Classification Sherloc (09022015). Collection method: clinical testing. Allele origin: germline.
Comment: This sequence change replaces arginine, which is basic and polar, with glutamine, which is neutral and polar, at codon 1221 of the AGRN protein (p.Arg1221Gln). The frequency data for this variant in the population databases is considered unreliable, as metrics indicate poor data quality at this position in the gnomAD database. This variant has not been reported in the literature in individuals affected with AGRN-related conditions. ClinVar contains an entry for this variant (Variation ID: 547973). An algorithm developed to predict the effect of missense changes on protein structure and function outputs the following: PolyPhen-2: "Benign". The glutamine amino acid residue is found in multiple mammalian species, which suggests that this missense change does not adversely affect protein function. In summary, the available evidence is currently insufficient to determine the role of this variant in disease. Therefore, it has been classified as a Variant of Uncertain Significance.

Mayo Clinic Laboratories, Mayo Clinic
Classification: Uncertain significance for Congenital myasthenic syndrome 8. Last evaluated: 2017-06-19. Review status: criteria provided, single submitter. Criteria: ACMG Guidelines, 2015. Collection method: clinical testing. Allele origin: biparental.

NM_198576.4(AGRN):c.3662G>A (p.Arg1221Gln)

Gene: AGRN (agrin; plus strand). Cytogenetic location: 1p36.33.
Variant type: single nucleotide variant.
Coding change: c.3662G>A on transcript NM_198576.4 (MANE Select); coding-DNA position 3662, G replaced by A.
Protein change: p.Arg1221Gln; replaces arginine 1221 with glutamine.
Molecular consequence: missense variant.
Genome position (GRCh38, 1-based): chr1:1,047,806, G>A. VCF-style: chr1-1047806-G-A. GRCh37 (hg19) VCF-style: chr1-983186-G-A.
Other names: c.3662G>A, p.Arg1221Gln (NM_001305275.2); c.3347G>A, p.Arg1116Gln (NM_001364727.2); short protein forms R1221Q, R1116Q.
Identifiers: ClinVar variation 547973 (VCV000547973.13), dbSNP rs764139323, ClinGen allele CA509180.